The following is an entry in ClinVar:

ClinVar aggregate classification (germline): Likely pathogenic. Review status: criteria provided, single submitter (1 of 4 stars). 2 submissions from 2 submitters: Likely pathogenic (1). 1 of the submissions does not count toward it. Last evaluated 2022-02-21.

Conditions:
Junctional epidermolysis bullosa gravis of Herlitz. Also called: Herlitz-type junctional epidermolysis bullosa; EPIDERMOLYSIS BULLOSA, JUNCTIONAL 1B, SEVERE; Epidermolysis Bullosa Letalis; EPIDERMOLYSIS BULLOSA JUNCTIONALIS, HERLITZ TYPE; EPIDERMOLYSIS BULLOSA, JUNCTIONAL, HERLITZ-PEARSON TYPE; JEB-HERLITZ TYPE. Identifiers: Orphanet 79404, MedGen C0079683, MONDO:0009182, OMIM 226700.

Submissions (2):

Labcorp Genetics (formerly Invitae), Labcorp
Classification: Likely pathogenic. Last evaluated: 2022-02-21. Review status: criteria provided, single submitter. Criteria: Invitae Variant Classification Sherloc (09022015). Collection method: clinical testing. Allele origin: germline.
Comment: In summary, the currently available evidence indicates that the variant is pathogenic, but additional data are needed to prove that conclusively. Therefore, this variant has been classified as Likely Pathogenic. Algorithms developed to predict the effect of sequence changes on RNA splicing suggest that this variant may disrupt the consensus splice site. ClinVar contains an entry for this variant (Variation ID: 553451). This variant has not been reported in the literature in individuals affected with LAMA3-related conditions. This variant is not present in population databases (gnomAD no frequency). This sequence change affects a donor splice site in intron 6 of the LAMA3 gene. It is expected to disrupt RNA splicing. Variants that disrupt the donor or acceptor splice site typically lead to a loss of protein function (PMID: 16199547), and loss-of-function variants in LAMA3 are known to be pathogenic (PMID: 10366601, 11810295, 12915477, 16473856, 17362460, 22434185, 23869449, 27827380, 28087116).

Counsyl
Classification: Likely pathogenic for Junctional epidermolysis bullosa gravis of Herlitz. Last evaluated: 2017-08-21. Review status: no assertion criteria provided. Collection method: clinical testing. Allele origin: unknown. Not counted in ClinVar's aggregate classification.

Literature cited by the submitters: PubMed 16199547 (cited by Labcorp Genetics (formerly Invitae), Labcorp); PubMed 10366601 (cited by Labcorp Genetics (formerly Invitae), Labcorp); PubMed 11810295 (cited by Labcorp Genetics (formerly Invitae), Labcorp); PubMed 12915477 (cited by Labcorp Genetics (formerly Invitae), Labcorp); PubMed 16473856 (cited by Labcorp Genetics (formerly Invitae), Labcorp); PubMed 17362460 (cited by Labcorp Genetics (formerly Invitae), Labcorp); PubMed 22434185 (cited by Labcorp Genetics (formerly Invitae), Labcorp); PubMed 23869449 (cited by Labcorp Genetics (formerly Invitae), Labcorp); PubMed 27827380 (cited by Labcorp Genetics (formerly Invitae), Labcorp); PubMed 28087116 (cited by Labcorp Genetics (formerly Invitae), Labcorp).

NM_198129.4(LAMA3):c.5461+1G>A

Gene: LAMA3 (laminin subunit alpha 3; plus strand). Cytogenetic location: 18q11.2.
Variant type: single nucleotide variant.
Coding change: c.5461+1G>A on transcript NM_198129.4 (MANE Select); the canonical splice donor site of the intron after coding-DNA position 5461, G replaced by A.
Molecular consequence: splice donor variant.
Genome position (GRCh38, 1-based): chr18:23,894,349, G>A. VCF-style: chr18-23894349-G-A. GRCh37 (hg19) VCF-style: chr18-21474313-G-A.
Other names: c.5461+1G>A (NM_001127717.4); c.634+1G>A (NM_000227.6, NM_001127718.4).
Identifiers: ClinVar variation 553451 (VCV000553451.7), dbSNP rs1555728319, ClinGen allele CA402045966.